The following is an entry in ClinVar:

ClinVar aggregate classification (germline): Uncertain significance. Review status: criteria provided, multiple submitters, no conflicts (2 of 4 stars). 2 submissions from 2 submitters: Uncertain significance (2). Last evaluated 2023-11-29.

Conditions:
Inborn genetic diseases. Identifiers: MedGen C0950123, MeSH D030342.

Allele frequency attached by ClinVar (database versions not stated): ExAC 0.00002; gnomAD 0.00003; gnomAD exomes 0.00003.
gnomAD v4.1: 49 of 1,608,546 alleles (0.003%); highest among the groups gnomAD compares: East Asian, 0.0067%; no homozygotes.

Submissions (2):

Ambry Genetics
Classification: Uncertain significance for Inborn genetic diseases. Last evaluated: 2023-11-29. Review status: criteria provided, single submitter. Criteria: Ambry Variant Classification Scheme 2023. Collection method: clinical testing. Allele origin: germline.

Labcorp Genetics (formerly Invitae), Labcorp
Classification: Uncertain significance. Last evaluated: 2022-03-13. Review status: criteria provided, single submitter. Criteria: Invitae Variant Classification Sherloc (09022015). Collection method: clinical testing. Allele origin: germline.
Comment: This sequence change replaces arginine, which is basic and polar, with cysteine, which is neutral and slightly polar, at codon 1288 of the ASPM protein (p.Arg1288Cys). This variant is present in population databases (rs746570662, gnomAD 0.02%). This variant has not been reported in the literature in individuals affected with ASPM-related conditions. Algorithms developed to predict the effect of missense changes on protein structure and function output the following: SIFT: "Tolerated"; PolyPhen-2: "Benign"; Align-GVGD: "Class C0". The cysteine amino acid residue is found in multiple mammalian species, which suggests that this missense change does not adversely affect protein function. In summary, the available evidence is currently insufficient to determine the role of this variant in disease. Therefore, it has been classified as a Variant of Uncertain Significance.

NM_018136.5(ASPM):c.3862C>T (p.Arg1288Cys)

Gene: ASPM (assembly factor for spindle microtubules; minus strand). Cytogenetic location: 1q31.3.
Variant type: single nucleotide variant.
Coding change: c.3862C>T on transcript NM_018136.5 (MANE Select); coding-DNA position 3862, C replaced by T.
Protein change: p.Arg1288Cys; replaces arginine 1288 with cysteine.
Molecular consequence: missense variant.
Genome position (GRCh38, 1-based): chr1:197,121,923, G>A on the plus strand (C>T on the coding strand, the complement: ASPM is on the minus strand). VCF-style: chr1-197121923-G-A. GRCh37 (hg19) VCF-style: chr1-197091053-G-A.
Other names: c.3862C>T, p.Arg1288Cys (NM_001206846.2); c.3862C>T (NM_018136.4); short protein forms R1288C.
Identifiers: ClinVar variation 1913953 (VCV001913953.3), dbSNP rs746570662, ClinGen allele CA1310066.